The following is an entry in ClinVar:

NM_003072.5(SMARCA4):c.4515G>A (p.Val1505=)

Gene: SMARCA4 (SWI/SNF related BAF chromatin remodeling complex subunit ATPase 4; plus strand). Cytogenetic location: 19p13.2.
Variant type: single nucleotide variant.
Coding change: c.4515G>A on transcript NM_003072.5 (MANE Select); coding-DNA position 4515, G replaced by A.
Protein change: p.Val1505=; no amino-acid change (valine 1505 retained).
Molecular consequence: synonymous variant. On other transcripts: non-coding transcript variant (1).
Genome position (GRCh38, 1-based): chr19:11,058,345, G>A. VCF-style: chr19-11058345-G-A. GRCh37 (hg19) VCF-style: chr19-11169021-G-A.
Other names: c.4515G>A, p.Val1505= (NM_001128844.3); c.4425G>A, p.Val1475= (NM_001128845.2); c.4422G>A, p.Val1474= (NM_001128846.2); c.4416G>A, p.Val1472= (NM_001128847.4, NM_001374457.1); c.4413G>A, p.Val1471= (NM_001128848.2); c.4611G>A, p.Val1537= (NM_001128849.3, NM_001387283.1).
Identifiers: ClinVar variation 484871 (VCV000484871.17), dbSNP rs201986470, ClinGen allele CA305298510.

ClinVar aggregate classification (germline): Benign/Likely benign. Review status: criteria provided, multiple submitters, no conflicts (2 of 4 stars). 3 submissions from 3 submitters: Benign (1); Likely benign (2). Last evaluated 2026-07-23.

Conditions:
Hereditary cancer-predisposing syndrome. Also called: Tumor predisposition; Neoplastic Syndromes, Hereditary; Hereditary Cancer Syndrome; Hereditary neoplastic syndrome. Identifiers: Orphanet 140162, MedGen C0027672, MeSH D009386, MONDO:0015356.
Rhabdoid tumor predisposition syndrome 2 (RTPS2). Identifiers: Orphanet 231108, Orphanet 69077, MedGen C2750074, MONDO:0013224, OMIM 613325.

Allele frequency attached by ClinVar (database versions not stated): 1000 Genomes Project 30x 0.00031; 1000 Genomes Project 0.00020; gnomAD exomes below 0.00001; TOPMed below 0.00001; gnomAD 0.00001.
gnomAD v4.1: 13 of 1,612,170 alleles (0.00081%); highest among the groups gnomAD compares: Admixed American, 0.018%; no homozygotes.

Submissions (3):

Myriad Genetics, Inc.
Classification: Benign for Rhabdoid tumor predisposition syndrome 2. Last evaluated: 2026-07-23. Review status: criteria provided, single submitter. Criteria: Myriad Autosomal Dominant, Autosomal Recessive and X-Linked Classification Criteria (2023). Collection method: clinical testing. Allele origin: unknown.
Comment: This variant is considered benign. This variant is a silent/synonymous amino acid change and it is not expected to impact splicing.

Labcorp Genetics (formerly Invitae), Labcorp
Classification: Likely benign for Rhabdoid tumor predisposition syndrome 2. Last evaluated: 2026-01-19. Review status: criteria provided, single submitter. Criteria: Invitae Variant Classification Sherloc (09022015). Collection method: clinical testing. Allele origin: germline.

Ambry Genetics
Classification: Likely benign for Hereditary cancer-predisposing syndrome. Last evaluated: 2015-12-06. Review status: criteria provided, single submitter. Criteria: Ambry Variant Classification Scheme 2023. Collection method: clinical testing. Allele origin: germline.